The following is an entry in ClinVar:

ClinVar aggregate classification (germline): Conflicting classifications of pathogenicity. Review status: criteria provided, conflicting classifications (1 of 4 stars). 6 submissions from 6 submitters: Pathogenic (1); Likely pathogenic (2); Uncertain significance (1). 2 of the submissions do not count toward it. Last evaluated 2026-03-20.

Conditions:
Spastic ataxia 10, autosomal recessive (SPAX10). Identifiers: MedGen C5882738, MONDO:0958009, OMIM 620666.
Neonatal encephalomyopathy-cardiomyopathy-respiratory distress syndrome. Also called: Coenzyme Q10 deficiency, primary, 7. Identifiers: Orphanet 457185, MedGen C5568562, MONDO:0014562, OMIM 616276.

Allele frequency attached by ClinVar (database versions not stated): gnomAD exomes 0.00001; TOPMed 0.00001; ExAC 0.00002.
gnomAD v4.1: 20 of 1,603,082 alleles (0.0012%); highest among the groups gnomAD compares: Non-Finnish European, 0.0017%; no homozygotes.

Submissions (6):

Women's Health and Genetics/Laboratory Corporation of America, LabCorp
Classification: Pathogenic for Neonatal encephalomyopathy-cardiomyopathy-respiratory distress syndrome. Last evaluated: 2026-03-20. Review status: criteria provided, single submitter. Criteria: LabCorp Variant Classification Summary - May 2015. Collection method: clinical testing. Allele origin: germline.
Comment: Variant summary: COQ4 c.190C>T (p.Pro64Ser) results in a non-conservative amino acid change in the encoded protein sequence. Algorithms developed to predict the effect of missense changes on protein structure and function all suggest that this variant is likely to be disruptive. The variant allele was found at a frequency of 1.3e-05 in 223108 control chromosomes (gnomAD). c.190C>T has been observed in multiple individuals affected with clinical features of Coenzyme Q10 deficiency (Brea-Calvo_2015, Yao_2021, Laugwitz_2023). These data indicate that the variant is very likely to be associated with disease. At least one publication reports experimental evidence evaluating an impact on protein function and this variant affected COQ4 protein function (Brea-Calvo_2015). The following publications have been ascertained in the context of this evaluation (PMID: 25658047, 34656997, 34992632). ClinVar contains an entry for this variant (Variation ID: 189204). Based on the evidence outlined above, the variant was classified as pathogenic.

Department of Pediatrics, Jichi Medical University
Classification: Likely pathogenic for Neonatal encephalomyopathy-cardiomyopathy-respiratory distress syndrome. Last evaluated: 2024-09-30. Review status: criteria provided, single submitter. Criteria: ACMG Guidelines, 2015. Collection method: research. Allele origin: inherited. Affected: yes.

Labcorp Genetics (formerly Invitae), Labcorp
Classification: Uncertain significance for Neonatal encephalomyopathy-cardiomyopathy-respiratory distress syndrome. Last evaluated: 2022-10-13. Review status: criteria provided, single submitter. Criteria: Invitae Variant Classification Sherloc (09022015). Collection method: clinical testing. Allele origin: germline.
Comment: This variant is present in population databases (rs766317663, gnomAD 0.002%). This missense change has been observed in individual(s) with COQ4-related disease (PMID: 25658047). ClinVar contains an entry for this variant (Variation ID: 189204). Algorithms developed to predict the effect of missense changes on protein structure and function (SIFT, PolyPhen-2, Align-GVGD) all suggest that this variant is likely to be disruptive. Experimental studies have shown that this missense change affects COQ4 function (PMID: 25658047). This sequence change replaces proline, which is neutral and non-polar, with serine, which is neutral and polar, at codon 64 of the COQ4 protein (p.Pro64Ser). In summary, the available evidence is currently insufficient to determine the role of this variant in disease. Therefore, it has been classified as a Variant of Uncertain Significance.

Juno Genomics, Hangzhou Juno Genomics, Inc
Classification: Likely pathogenic for Spastic ataxia 10, autosomal recessive; Neonatal encephalomyopathy-cardiomyopathy-respiratory distress syndrome. Review status: criteria provided, single submitter. Criteria: ACMG Guidelines, 2015. Collection method: clinical testing. Allele origin: germline.
Comment: Absent from controls (or at extremely low frequency if recessive) in Genome Aggregation Database.;Multiple lines of computational evidence support a deleterious effect on the gene or gene product.;For recessive disorders, detected in trans with a pathogenic variant.;Patient's phenotype or family history is highly specific for a disease with a single genetic etiology.

OMIM
Classification: Pathogenic for COENZYME Q10 DEFICIENCY, PRIMARY, 7. Last evaluated: 2015-02-05. Review status: no assertion criteria provided. Collection method: literature only. Allele origin: germline. Not counted in ClinVar's aggregate classification.

GeneReviews
No classification provided. Condition: Neonatal encephalomyopathy-cardiomyopathy-respiratory distress syndrome. Review status: no classification provided. Collection method: literature only. Allele origin: germline. Not counted in ClinVar's aggregate classification.

Literature cited by the submitters: PubMed 34992632 (cited by Women's Health and Genetics/Laboratory Corporation of America, LabCorp); PubMed 34656997 (cited by Women's Health and Genetics/Laboratory Corporation of America, LabCorp); PubMed 25658047 (cited by 3 submitters); NCBI Bookshelf NBK410087 (cited by GeneReviews).

NM_016035.5(COQ4):c.190C>T (p.Pro64Ser)

Gene: COQ4 (coenzyme Q4; plus strand). Cytogenetic location: 9q34.11.
Variant type: single nucleotide variant.
Coding change: c.190C>T on transcript NM_016035.5 (MANE Select); coding-DNA position 190, C replaced by T.
Protein change: p.Pro64Ser; replaces proline 64 with serine.
Molecular consequence: missense variant.
Genome position (GRCh38, 1-based): chr9:128,323,135, C>T. VCF-style: chr9-128323135-C-T. GRCh37 (hg19) VCF-style: chr9-131085414-C-T.
Other names: c.190C>T, p.Pro64Ser (NM_001305942.2); short protein forms P64S.
Identifiers: ClinVar variation 189204 (VCV000189204.12), dbSNP rs766317663, ClinGen allele CA199150.
Genomic context (GRCh38, chr9:128,323,135, plus strand): 5'-ACCTCCCCGCTGCAGAAAGGGCTGTTGGCCGCCGGCTCCGCGGCGATGGCGCTCTATAAC[C>T]CCTACCGCCACGGTAAGGCCGCCCGCGCCTCGCCCCCGTGGGGGCGGCTTGGAGCCGTTT-3'
Protein context (NP_057119.3, residues 54-74): AGSAAMALYN[Pro64Ser]YRHDMVAVLG